The following is an entry in ClinVar:

ClinVar aggregate classification (germline): Uncertain significance (1 of 4 stars; one submission).

Conditions:
Myofibrillar myopathy 4. Also called: Zaspopathy (type). Identifiers: Orphanet 98912, MedGen C4721886, MONDO:0012277, OMIM 609452.

Submission:

Labcorp Genetics (formerly Invitae), Labcorp
Classification: Uncertain significance for Myofibrillar myopathy 4. Last evaluated: 2023-06-03. Review status: criteria provided, single submitter. Criteria: Invitae Variant Classification Sherloc (09022015). Collection method: clinical testing. Allele origin: germline.
Comment: Experimental studies and prediction algorithms are not available or were not evaluated, and the effect of this variant on mRNA splicing is currently unknown. This variant has not been reported in the literature in individuals affected with LDB3-related conditions. This variant is not present in population databases (gnomAD no frequency). This sequence change affects codon 320 of the LDB3 mRNA. It is a 'silent' change, meaning that it does not change the encoded amino acid sequence of the LDB3 protein. The LDB3 gene has multiple clinically relevant transcripts. This variant occurs in alternate transcript NM_007078.3, and corresponds to NM_001080116.1:c.*7220T>C in the primary transcript. In summary, the available evidence is currently insufficient to determine the role of this variant in disease. Therefore, it has been classified as a Variant of Uncertain Significance.

NM_007078.3(LDB3):c.960T>C (p.Ser320=)

Gene: LDB3 (LIM domain binding 3; plus strand). Cytogenetic location: 10q23.2.
Variant type: single nucleotide variant.
Coding change: c.960T>C on transcript NM_007078.3 (MANE Select); coding-DNA position 960, T replaced by C.
Protein change: p.Ser320=; no amino-acid change (serine 320 retained).
Molecular consequence: synonymous variant. On other transcripts: intron variant (4).
Genome position (GRCh38, 1-based): chr10:86,706,594, T>C. VCF-style: chr10-86706594-T-C. GRCh37 (hg19) VCF-style: chr10-88466351-T-C.
Other names: c.819T>C, p.Ser273= (NM_001368066.1); c.897-3311T>C (NM_001368064.1, NM_001368065.1); c.1101-3311T>C (NM_001171610.2); c.756-3311T>C (NM_001080114.2).
Identifiers: ClinVar variation 2763135 (VCV002763135.3), dbSNP rs2492761376, ClinGen allele CA2572300091.